The following is an entry in ClinVar:

NM_002900.3(RBP3):c.93G>A (p.Met31Ile)

Gene: RBP3 (retinol binding protein 3; plus strand). Cytogenetic location: 10q11.22.
Variant type: single nucleotide variant.
Coding change: c.93G>A on transcript NM_002900.3 (MANE Select); coding-DNA position 93, G replaced by A.
Protein change: p.Met31Ile; replaces methionine 31 with isoleucine.
Molecular consequence: missense variant.
Genome position (GRCh38, 1-based): chr10:47,348,577, G>A. VCF-style: chr10-47348577-G-A. GRCh37 (hg19) VCF-style: chr10-48390785-C-T.
Other names: short protein forms M31I.
Identifiers: ClinVar variation 965123 (VCV000965123.7), dbSNP rs782523591, ClinGen allele CA5487871.

ClinVar aggregate classification (germline): Uncertain significance (1 of 4 stars; one submission).

Submission:

Labcorp Genetics (formerly Invitae), Labcorp
Classification: Uncertain significance. Last evaluated: 2021-08-30. Review status: criteria provided, single submitter. Criteria: Invitae Variant Classification Sherloc (09022015). Collection method: clinical testing. Allele origin: germline.
Comment: This sequence change replaces methionine with isoleucine at codon 31 of the RBP3 protein (p.Met31Ile). The methionine residue is highly conserved and there is a small physicochemical difference between methionine and isoleucine. This variant is present in population databases (rs782523591, ExAC 0.009%). This variant has not been reported in the literature in individuals affected with RBP3-related conditions. Algorithms developed to predict the effect of missense changes on protein structure and function are either unavailable or do not agree on the potential impact of this missense change (SIFT: "Deleterious"; PolyPhen-2: "Benign"; Align-GVGD: "Class C0"). Algorithms developed to predict the effect of sequence changes on RNA splicing suggest that this variant may create or strengthen a splice site. In summary, the available evidence is currently insufficient to determine the role of this variant in disease. Therefore, it has been classified as a Variant of Uncertain Significance.